The following is an entry in ClinVar:

ClinVar aggregate classification (germline): Benign/Likely benign. Review status: criteria provided, multiple submitters, no conflicts (2 of 4 stars). 3 submissions from 3 submitters: Benign (1); Likely benign (2). Last evaluated 2024-05-06.

Conditions:
Spastic paraplegia. Identifiers: MedGen C0037772, HP:0001258.
Hereditary spastic paraplegia. Also called: Familial spastic paraparesis. Identifiers: Orphanet 685, MedGen C0037773, MONDO:0019064. Disease mechanism: loss of function.

Allele frequency attached by ClinVar (database versions not stated): gnomAD 0.00027 and 0.00034; TOPMed 0.00034; ExAC 0.00066; 1000 Genomes Project 0.00120; 1000 Genomes Project 30x 0.00125.
gnomAD v4.1: 311 of 1,614,070 alleles (0.019%); highest among the groups gnomAD compares: East Asian, 0.48%; no homozygotes.

Submissions (3):

Labcorp Genetics (formerly Invitae), Labcorp
Classification: Benign for Spastic paraplegia. Last evaluated: 2024-05-06. Review status: criteria provided, single submitter. Criteria: Invitae Variant Classification Sherloc (09022015). Collection method: clinical testing. Allele origin: germline.

CeGaT Center for Human Genetics Tuebingen
Classification: Likely benign. Last evaluated: 2023-08-01. Review status: criteria provided, single submitter. Criteria: CeGaT Center For Human Genetics Tuebingen Variant Classification Criteria Version 2. Collection method: clinical testing. Allele origin: germline. Affected: yes. Observed: 1 variant allele.
Comment: GBA2: BP4, BP7

Genome Diagnostics Laboratory, The Hospital for Sick Children
Classification: Likely benign for Hereditary spastic paraplegia. Last evaluated: 2017-10-02. Review status: criteria provided, single submitter. Criteria: ACMG Guidelines, 2015. Collection method: clinical testing. Allele origin: germline. Affected: yes.

NM_020944.3(GBA2):c.1395G>A (p.Pro465=)

Gene: GBA2 (glucosylceramidase beta 2; minus strand). Cytogenetic location: 9p13.3.
Variant type: single nucleotide variant.
Coding change: c.1395G>A on transcript NM_020944.3 (MANE Select); coding-DNA position 1395, G replaced by A.
Protein change: p.Pro465=; no amino-acid change (proline 465 retained).
Molecular consequence: synonymous variant.
Genome position (GRCh38, 1-based): chr9:35,740,012, C>T on the plus strand (G>A on the coding strand, the complement: GBA2 is on the minus strand). VCF-style: chr9-35740012-C-T. GRCh37 (hg19) VCF-style: chr9-35740009-C-T.
Other names: c.1395G>A, p.Pro465= (NM_001330660.2).
Identifiers: ClinVar variation 416640 (VCV000416640.37), dbSNP rs149501146, ClinGen allele CA5050430.
Genomic context (GRCh38, chr9:35,740,012, plus strand): 5'-GGAGTGAGTGCCCAGGAGAAAGGCAAGAAATGGGCCCCACTGGCACCTGTCATCCAATAC[C>T]GGGCTCTGCCAAGCTGAGATCCTCTCTTCCCACTCTGCGTATCGGCACAGTGCATAGTGG-3'
Protein context (NP_065995.1, residues 455-475): WEERISAWQS[Pro465=]VLDDRSLPAW